The following is an entry in ClinVar:

ClinVar aggregate classification (germline): Likely pathogenic (1 of 4 stars; one submission).

Submission:

GeneDx
Classification: Likely pathogenic. Last evaluated: 2018-05-25. Review status: criteria provided, single submitter. Criteria: GeneDx Variant Classification (06012015). Collection method: clinical testing. Allele origin: germline. Affected: yes.
Comment: The F248L variant was not observed in approximately 6500 individuals of European and African American ancestry in the NHLBI Exome Sequencing Project, indicating it is not a common benign variant in these populations. The F248L variant is a conservative amino acid substitution, which occurs at a position within a Lumenal domain that is conserved across species. In silico analysis predicts this variant is probably damaging to the protein structure/function. In summary, we interpret this variant to be likely pathogenic.

NM_024592.5(SRD5A3):c.744T>G (p.Phe248Leu)

Genes: SRD5A3-AS1 (SRD5A3 antisense RNA 1; minus strand), SRD5A3 (steroid 5 alpha-reductase 3; plus strand). Cytogenetic location: 4q12.
Variant type: single nucleotide variant.
Coding change: c.744T>G on transcript NM_024592.5 (MANE Select); coding-DNA position 744, T replaced by G.
Protein change: p.Phe248Leu; replaces phenylalanine 248 with leucine.
Molecular consequence: missense variant.
Genome position (GRCh38, 1-based): chr4:55,369,878, T>G. VCF-style: chr4-55369878-T-G. GRCh37 (hg19) VCF-style: chr4-56236045-T-G.
Other names: short protein forms F248L.
Identifiers: ClinVar variation 265260 (VCV000265260.2), dbSNP rs886039433, ClinGen allele CA10588374.